The following is an entry in ClinVar:

NM_001286577.2(C2CD3):c.2465C>A (p.Ser822Tyr)

Gene: C2CD3 (C2 domain containing 3 centriole elongation regulator; minus strand). Cytogenetic location: 11q13.4.
Variant type: single nucleotide variant.
Coding change: c.2465C>A on transcript NM_001286577.2 (MANE Select); coding-DNA position 2465, C replaced by A.
Protein change: p.Ser822Tyr; replaces serine 822 with tyrosine.
Molecular consequence: missense variant.
Genome position (GRCh38, 1-based): chr11:74,103,246, G>T on the plus strand (C>A on the coding strand, the complement: C2CD3 is on the minus strand). VCF-style: chr11-74103246-G-T. GRCh37 (hg19) VCF-style: chr11-73814291-G-T.
Other names: c.2465C>A, p.Ser822Tyr (NM_015531.6); short protein forms S822Y.
Identifiers: ClinVar variation 1394949 (VCV001394949.6), dbSNP rs1235091167, ClinGen allele CA381832457.

ClinVar aggregate classification (germline): Uncertain significance (1 of 4 stars; one submission).

Allele frequency attached by ClinVar (database versions not stated): gnomAD exomes below 0.00001 and 0.00002.
gnomAD v4.1: 22 of 1,614,174 alleles (0.0014%); highest among the groups gnomAD compares: Non-Finnish European, 0.0019%; no homozygotes.

Submission:

Labcorp Genetics (formerly Invitae), Labcorp
Classification: Uncertain significance. Last evaluated: 2022-08-15. Review status: criteria provided, single submitter. Criteria: Invitae Variant Classification Sherloc (09022015). Collection method: clinical testing. Allele origin: germline.
Comment: In summary, the available evidence is currently insufficient to determine the role of this variant in disease. Therefore, it has been classified as a Variant of Uncertain Significance. Algorithms developed to predict the effect of missense changes on protein structure and function (SIFT, PolyPhen-2, Align-GVGD) all suggest that this variant is likely to be tolerated. ClinVar contains an entry for this variant (Variation ID: 1394949). This variant has not been reported in the literature in individuals affected with C2CD3-related conditions. This variant is present in population databases (no rsID available, gnomAD 0.0009%). This sequence change replaces serine, which is neutral and polar, with tyrosine, which is neutral and polar, at codon 822 of the C2CD3 protein (p.Ser822Tyr).